The following is an entry in ClinVar:

NM_001372574.1(ATXN2):c.60del (p.Gln20fs)

Genes: ATXN2 (ataxin 2; minus strand), LOC130008791 (ATAC-STARR-seq lymphoblastoid silent region 4872; plus strand). Cytogenetic location: 12q24.12.
Variant type: Deletion.
Coding change: c.60del on transcript NM_001372574.1 (MANE Select); coding-DNA position 60, one base deleted (G; older notation c.60delG).
Protein change: p.Gln20fs; shifts the reading frame from glutamine 20.
Molecular consequence: frameshift variant. On other transcripts: non-coding transcript variant (1), intron variant (2).
Genome position (GRCh38, 1-based): chr12:111,598,975, C deleted on the plus strand (G on the coding strand, the reverse complement: ATXN2 is on the minus strand). VCF-style (leftmost placement, unchanged base first): chr12-111598974-GC-G. GRCh37 (hg19) VCF-style: chr12-112036778-GC-G.
Other names: c.60del, p.Gln20fs (NM_002973.4); c.-28+600del (NM_001310123.1); c.-65+600del (NM_001310121.1); short protein forms Q20fs.
Identifiers: ClinVar variation 3045503 (VCV003045503.2), dbSNP rs757862555, ClinGen allele CA6790977.

ClinVar aggregate classification (germline): Likely benign (0 of 4 stars; one submission).

Conditions:
ATXN2-related disorder. Also called: ATXN2-related condition.

Allele frequency attached by ClinVar (database versions not stated): gnomAD exomes 0.00647; ExAC 0.00719; gnomAD 0.00766.

Submission:

PreventionGenetics, part of Exact Sciences
Classification: Likely benign for ATXN2-related condition. Last evaluated: 2022-05-09. Review status: no assertion criteria provided. Collection method: clinical testing. Allele origin: germline.
Comment: This variant is classified as likely benign based on ACMG/AMP sequence variant interpretation guidelines (Richards et al. 2015 PMID: 25741868, with internal and published modifications).